The following is an entry in ClinVar:

ClinVar aggregate classification (germline): Uncertain significance (1 of 4 stars; one submission).

Conditions:
Inborn genetic diseases. Identifiers: MedGen C0950123, MeSH D030342.

gnomAD v4.1: 2 of 1,613,992 alleles (0.00012%); highest among the groups gnomAD compares: Non-Finnish European, 0.00017%; no homozygotes.

Submission:

Ambry Genetics
Classification: Uncertain significance for Inborn genetic diseases. Last evaluated: 2026-04-18. Review status: criteria provided, single submitter. Criteria: Ambry Variant Classification Scheme 2023. Collection method: clinical testing. Allele origin: germline.
Comment: The p.E57Q variant (also known as c.169G>C), located in coding exon 2 of the USB1 gene, results from a G to C substitution at nucleotide position 169. The glutamic acid at codon 57 is replaced by glutamine, an amino acid with highly similar properties. This amino acid position is conserved. In addition, this alteration is predicted to be tolerated by in silico analysis. Based on the available evidence, the clinical significance of this variant remains unclear.

NM_024598.4(USB1):c.169G>C (p.Glu57Gln)

Gene: USB1 (U6 snRNA biogenesis phosphodiesterase 1; plus strand). Cytogenetic location: 16q21.
Variant type: single nucleotide variant.
Coding change: c.169G>C on transcript NM_024598.4 (MANE Select); coding-DNA position 169, G replaced by C.
Protein change: p.Glu57Gln; replaces glutamic acid 57 with glutamine.
Molecular consequence: missense variant.
Genome position (GRCh38, 1-based): chr16:58,002,549, G>C. VCF-style: chr16-58002549-G-C. GRCh37 (hg19) VCF-style: chr16-58036453-G-C.
Other names: c.169G>C, p.Glu57Gln (NM_001195302.2, NM_001204911.2, NM_001330569.2); c.16G>C, p.Glu6Gln (NM_001330568.2); short protein forms E57Q, E6Q.
Identifiers: ClinVar variation 4866351 (VCV004866351.1).
Genomic context (GRCh38, chr16:58,002,549, plus strand): 5'-CCCCTTCCCAGGCAGAGATTTCCAGTACCTGACAGTGTGCTGAACATGTTCCCGGGCACC[G>C]AGGAGGGGCCTGAAGATGACAGCACAAAACACGGGGGACGGGTGCGCACCTTCCCCCACG-3'
Protein context (NP_078874.2, residues 47-67): DSVLNMFPGT[Glu57Gln]EGPEDDSTKH